The following is an entry in ClinVar:

NM_006431.3(CCT2):c.866G>C (p.Cys289Ser)

Gene: CCT2 (chaperonin containing TCP1 subunit 2; plus strand). Cytogenetic location: 12q15.
Variant type: single nucleotide variant.
Coding change: c.866G>C on transcript NM_006431.3 (MANE Select); coding-DNA position 866, G replaced by C.
Protein change: p.Cys289Ser; replaces cysteine 289 with serine.
Molecular consequence: missense variant.
Genome position (GRCh38, 1-based): chr12:69,593,091, G>C. VCF-style: chr12-69593091-G-C. GRCh37 (hg19) VCF-style: chr12-69986871-G-C.
Other names: c.725G>C, p.Cys242Ser (NM_001198842.2); short protein forms C242S, C289S.
Identifiers: ClinVar variation 3676456 (VCV003676456.2).

ClinVar aggregate classification (germline): Uncertain significance (1 of 4 stars; one submission).

Submission:

Labcorp Genetics (formerly Invitae), Labcorp
Classification: Uncertain significance. Last evaluated: 2024-04-25. Review status: criteria provided, single submitter. Criteria: Invitae Variant Classification Sherloc (09022015). Collection method: clinical testing. Allele origin: germline.
Comment: This sequence change replaces cysteine, which is neutral and slightly polar, with serine, which is neutral and polar, at codon 289 of the CCT2 protein (p.Cys289Ser). This variant is not present in population databases (gnomAD no frequency). This variant has not been reported in the literature in individuals affected with CCT2-related conditions. An algorithm developed to predict the effect of missense changes on protein structure and function (PolyPhen-2) suggests that this variant is likely to be disruptive. In summary, the available evidence is currently insufficient to determine the role of this variant in disease. Therefore, it has been classified as a Variant of Uncertain Significance.